The following is an entry in ClinVar:

ClinVar aggregate classification (germline): Pathogenic/Likely pathogenic. Review status: criteria provided, multiple submitters, no conflicts (2 of 4 stars). 6 submissions from 5 submitters: Pathogenic (2); Likely pathogenic (4). Last evaluated 2025-12-16.

Conditions:
Charcot-Marie-Tooth disease axonal type 2X. Also called: CHARCOT-MARIE-TOOTH DISEASE, AXONAL, AUTOSOMAL RECESSIVE, TYPE 2X; CHARCOT-MARIE-TOOTH NEUROPATHY, TYPE 2X. Identifiers: Orphanet 466775, MedGen C5569024, MONDO:0014726, OMIM 616668.
Hereditary spastic paraplegia 11. Also called: SPASTIC PARAPLEGIA, AUTOSOMAL RECESSIVE, COMPLICATED, WITH THIN CORPUS CALLOSUM; SPASTIC PARAPLEGIA, AUTOSOMAL RECESSIVE, WITH MENTAL IMPAIRMENT AND THIN CORPUS CALLOSUM; Spastic Paraplegia 11; Nakamura Osame syndrome; Autosomal recessive hereditary spastic paraplegia, mental impairment, and thin corpus callosum; Spastic paraplegia, mental retardation and thin corpus callosum. Identifiers: Orphanet 2822, MedGen C1858479, MONDO:0011445, OMIM 604360.

Allele frequency attached by ClinVar (database versions not stated): gnomAD 0.00001.
gnomAD v4.1: 13 of 1,613,886 alleles (0.00081%); highest among the groups gnomAD compares: Non-Finnish European, 0.0011%; no homozygotes.

Submissions (6):

Women's Health and Genetics/Laboratory Corporation of America, LabCorp
Classification: Likely pathogenic for Hereditary spastic paraplegia 11. Last evaluated: 2025-12-16. Review status: criteria provided, single submitter. Criteria: LabCorp Variant Classification Summary - May 2015. Collection method: clinical testing. Allele origin: germline.
Comment: Variant summary: SPG11 c.6899T>C (p.Leu2300Pro) results in a non-conservative amino acid change in the encoded protein sequence. Algorithms developed to predict the effect of missense changes on protein structure and function all suggest that this variant is likely to be disruptive. The variant was absent in 251088 control chromosomes. c.6899T>C has been observed in the compound heterozygous state in multiple individuals affected with clinical features of Hereditary spastic paraplegia 11 (example, Kara_2016, Bowling_2017, internal data). These data indicate that the variant may be associated with disease. To our knowledge, no experimental evidence demonstrating an impact on protein function has been reported. The following publications have been ascertained in the context of this evaluation (PMID: 33581793, 27217339, 35254204, 28554332). ClinVar contains an entry for this variant (Variation ID: 235890). Based on the evidence outlined above, the variant was classified as likely pathogenic.

Labcorp Genetics (formerly Invitae), Labcorp
Classification: Pathogenic for Hereditary spastic paraplegia 11. Last evaluated: 2025-03-13. Review status: criteria provided, single submitter. Criteria: Invitae Variant Classification Sherloc (09022015). Collection method: clinical testing. Allele origin: germline.
Comment: This sequence change replaces leucine, which is neutral and non-polar, with proline, which is neutral and non-polar, at codon 2300 of the SPG11 protein (p.Leu2300Pro). This variant is not present in population databases (gnomAD no frequency). This missense change has been observed in individual(s) with clinical features of hereditary spastic paraplegia (PMID: 27217339, 28554332; internal data). In at least one individual the data is consistent with being in trans (on the opposite chromosome) from a pathogenic variant. ClinVar contains an entry for this variant (Variation ID: 235890). Invitae Evidence Modeling of protein sequence and biophysical properties (such as structural, functional, and spatial information, amino acid conservation, physicochemical variation, residue mobility, and thermodynamic stability) indicates that this missense variant is expected to disrupt SPG11 protein function with a positive predictive value of 80%. For these reasons, this variant has been classified as Pathogenic.

GeneDx
Classification: Likely pathogenic. Last evaluated: 2024-10-24. Review status: criteria provided, single submitter. Criteria: GeneDx Variant Classification Process June 2021. Collection method: clinical testing. Allele origin: germline. Affected: yes.
Comment: In silico analysis supports that this missense variant has a deleterious effect on protein structure/function; Not observed at significant frequency in large population cohorts (gnomAD); This variant is associated with the following publications: (PMID: 27217339, 28554332)

HudsonAlpha Institute for Biotechnology
Classification: Pathogenic for Charcot-Marie-Tooth disease axonal type 2X. Last evaluated: 2016-04-14. Review status: criteria provided, single submitter. Criteria: HA_assertions_20161101. Collection method: research. Allele origin: paternal. Affected: yes. Study: CSER-HudsonAlpha.

Genome-Nilou Lab
Classification: Likely pathogenic for Charcot-Marie-Tooth disease axonal type 2X. Review status: criteria provided, single submitter. Criteria: ACMG Guidelines, 2015. Collection method: clinical testing. Allele origin: germline.

Genome-Nilou Lab
Classification: Likely pathogenic for Hereditary spastic paraplegia 11. Review status: criteria provided, single submitter. Criteria: ACMG Guidelines, 2015. Collection method: clinical testing. Allele origin: germline.

Literature cited by the submitters: PubMed 27217339 (cited by Women's Health and Genetics/Laboratory Corporation of America, LabCorp and Labcorp Genetics (formerly Invitae), Labcorp); PubMed 28554332 (cited by Women's Health and Genetics/Laboratory Corporation of America, LabCorp and Labcorp Genetics (formerly Invitae), Labcorp); PubMed 33581793 (cited by Women's Health and Genetics/Laboratory Corporation of America, LabCorp); PubMed 35254204 (cited by Women's Health and Genetics/Laboratory Corporation of America, LabCorp).

NM_025137.4(SPG11):c.6899T>C (p.Leu2300Pro)

Gene: SPG11 (SPG11 vesicle trafficking associated, spatacsin; minus strand). Cytogenetic location: 15q21.1.
Variant type: single nucleotide variant.
Coding change: c.6899T>C on transcript NM_025137.4 (MANE Select); coding-DNA position 6899, T replaced by C.
Protein change: p.Leu2300Pro; replaces leucine 2300 with proline.
Molecular consequence: missense variant.
Genome position (GRCh38, 1-based): chr15:44,565,954, A>G on the plus strand (T>C on the coding strand, the complement: SPG11 is on the minus strand). VCF-style: chr15-44565954-A-G. GRCh37 (hg19) VCF-style: chr15-44858152-A-G.
Other names: c.6560T>C, p.Leu2187Pro (NM_001160227.2); short protein forms L2300P, L2187P.
Identifiers: ClinVar variation 235890 (VCV000235890.13), dbSNP rs371334506, ClinGen allele CA10581479.